The following is an entry in ClinVar:

NM_004186.5(SEMA3F):c.42C>T (p.Thr14=)

Gene: SEMA3F (semaphorin 3F; plus strand). Cytogenetic location: 3p21.31.
Variant type: single nucleotide variant.
Coding change: c.42C>T on transcript NM_004186.5 (MANE Select); coding-DNA position 42, C replaced by T.
Protein change: p.Thr14=; no amino-acid change (threonine 14 retained).
Molecular consequence: synonymous variant. On other transcripts: intron variant (1).
Genome position (GRCh38, 1-based): chr3:50,159,664, C>T. VCF-style: chr3-50159664-C-T. GRCh37 (hg19) VCF-style: chr3-50197097-C-T.
Other names: c.42C>T, p.Thr14= (NM_001318800.2); c.-135-28C>T (NM_001318798.2).
Identifiers: ClinVar variation 3060562 (VCV003060562.2), dbSNP rs1046953, ClinGen allele CA2411605.

ClinVar aggregate classification (germline): Benign (0 of 4 stars; one submission).

Conditions:
SEMA3F-related disorder. Also called: SEMA3F-related condition.

Allele frequency attached by ClinVar (database versions not stated): TOPMed 0.36027; 1000 Genomes Project 30x 0.37383; 1000 Genomes Project 0.37520; ESP Exome Variant Server 0.38298; gnomAD 0.38672; ExAC 0.42282.
gnomAD v4.1: 671,793 of 1,610,692 alleles (42%); highest among the groups gnomAD compares: South Asian, 66%; 145,180 homozygotes.

Submission:

PreventionGenetics, part of Exact Sciences
Classification: Benign for SEMA3F-related condition. Last evaluated: 2022-04-11. Review status: no assertion criteria provided. Collection method: clinical testing. Allele origin: germline.
Comment: This variant is classified as benign based on ACMG/AMP sequence variant interpretation guidelines (Richards et al. 2015 PMID: 25741868, with internal and published modifications).